The following is an entry in ClinVar:

NM_016562.4(TLR7):c.2387G>T (p.Trp796Leu)

Gene: TLR7 (toll like receptor 7; plus strand). Cytogenetic location: Xp22.2.
Variant type: single nucleotide variant.
Coding change: c.2387G>T on transcript NM_016562.4 (MANE Select); coding-DNA position 2387, G replaced by T.
Protein change: p.Trp796Leu; replaces tryptophan 796 with leucine.
Molecular consequence: missense variant.
Genome position (GRCh38, 1-based): chrX:12,887,895, G>T. VCF-style: chrX-12887895-G-T. GRCh37 (hg19) VCF-style: chrX-12906014-G-T.
Other names: short protein forms W796L.
Identifiers: ClinVar variation 3661606 (VCV003661606.2).

ClinVar aggregate classification (germline): Uncertain significance (1 of 4 stars; one submission).

gnomAD v4.1: 1 of 1,211,824 alleles (0.000083%); highest among the groups gnomAD compares: Non-Finnish European, 0.00011%; no homozygotes.

Submission:

Labcorp Genetics (formerly Invitae), Labcorp
Classification: Uncertain significance. Last evaluated: 2024-08-06. Review status: criteria provided, single submitter. Criteria: Invitae Variant Classification Sherloc (09022015). Collection method: clinical testing. Allele origin: germline.
Comment: This sequence change replaces tryptophan, which is neutral and slightly polar, with leucine, which is neutral and non-polar, at codon 796 of the TLR7 protein (p.Trp796Leu). This variant is not present in population databases (gnomAD no frequency). This variant has not been reported in the literature in individuals affected with TLR7-related conditions. An algorithm developed to predict the effect of missense changes on protein structure and function (PolyPhen-2) suggests that this variant is likely to be tolerated. In summary, the available evidence is currently insufficient to determine the role of this variant in disease. Therefore, it has been classified as a Variant of Uncertain Significance.